The following is an entry in ClinVar:

NM_006914.4(RORB):c.197G>C (p.Arg66Pro)

Gene: RORB (RAR related orphan receptor B; plus strand). Cytogenetic location: 9q21.13.
Variant type: single nucleotide variant.
Coding change: c.197G>C on transcript NM_006914.4 (MANE Select); coding-DNA position 197, G replaced by C.
Protein change: p.Arg66Pro; replaces arginine 66 with proline.
Molecular consequence: missense variant.
Genome position (GRCh38, 1-based): chr9:74,634,734, G>C. VCF-style: chr9-74634734-G-C. GRCh37 (hg19) VCF-style: chr9-77249650-G-C.
Other names: c.230G>C, p.Arg77Pro (NM_001365023.1); short protein forms R77P, R66P.
Identifiers: ClinVar variation 2854266 (VCV002854266.19), dbSNP rs756765022, ClinGen allele CA373772323.
Genomic context (GRCh38, chr9:74,634,734, plus strand): 5'-GCCCAAGGCAGAGAAACTGTTTAATTGACAGAACGAACAGAAACCGTTGCCAACACTGCC[G>C]ACTGCAGAAGTGTCTTGCCCTAGGAATGTCAAGAGATGGTAAGACATTACCTTCCTGTTT-3'
Protein context (NP_008845.2, residues 56-76): RTNRNRCQHC[Arg66Pro]LQKCLALGMS

ClinVar aggregate classification (germline): Uncertain significance. Review status: criteria provided, multiple submitters, no conflicts (2 of 4 stars). 2 submissions from 2 submitters: Uncertain significance (2). Last evaluated 2024-08-01.

Submissions (2):

CeGaT Center for Human Genetics Tuebingen
Classification: Uncertain significance. Last evaluated: 2024-08-01. Review status: criteria provided, single submitter. Criteria: CeGaT Center For Human Genetics Tuebingen Variant Classification Criteria Version 2. Collection method: clinical testing. Allele origin: germline. Affected: yes. Observed: 2 variant alleles.
Comment: RORB: PM2, PP2, PP3

Labcorp Genetics (formerly Invitae), Labcorp
Classification: Uncertain significance. Last evaluated: 2023-04-17. Review status: criteria provided, single submitter. Criteria: Invitae Variant Classification Sherloc (09022015). Collection method: clinical testing. Allele origin: germline.
Comment: An algorithm developed to predict the effect of missense changes on protein structure and function (PolyPhen-2) suggests that this variant is likely to be disruptive. This variant has not been reported in the literature in individuals affected with RORB-related conditions. This variant is not present in population databases (gnomAD no frequency). This sequence change replaces arginine, which is basic and polar, with proline, which is neutral and non-polar, at codon 66 of the RORB protein (p.Arg66Pro). In summary, the available evidence is currently insufficient to determine the role of this variant in disease. Therefore, it has been classified as a Variant of Uncertain Significance.